The following is an entry in ClinVar:

NM_004006.3(DMD):c.3013G>T (p.Glu1005Ter)

Gene: DMD (dystrophin; minus strand). Cytogenetic location: Xp21.1.
Variant type: single nucleotide variant.
Coding change: c.3013G>T on transcript NM_004006.3 (MANE Select); coding-DNA position 3013, G replaced by T.
Protein change: p.Glu1005Ter; replaces glutamic acid 1005 with a stop codon.
Molecular consequence: nonsense.
Genome position (GRCh38, 1-based): chrX:32,468,647, C>A on the plus strand (G>T on the coding strand, the complement: DMD is on the minus strand). VCF-style: chrX-32468647-C-A. GRCh37 (hg19) VCF-style: chrX-32486764-C-A.
Other names: c.2989G>T, p.Glu997Ter (NM_000109.4); c.3001G>T, p.Glu1001Ter (NM_004009.3); c.2644G>T, p.Glu882Ter (NM_004010.3); short protein forms E1001*, E997*, E882*, E1005*.
Identifiers: ClinVar variation 803899 (VCV000803899.3), dbSNP rs1603634206, ClinGen allele CA412667057.
Genomic context (GRCh38, chrX:32,468,647, plus strand): 5'-TTTCTTCAAATTCTGATTGATATTTCCGGCTAATTTCAGAGGGCGCTTTCTTCGACATCT[C>A]TTTCACAGTGGTGCTGAGATAGTATAGGCCACTTTGTTGCTCTTGCAGAGAACTTTGTAA-3'

ClinVar aggregate classification (germline): Pathogenic. Review status: criteria provided, multiple submitters, no conflicts (2 of 4 stars). 2 submissions from 2 submitters: Pathogenic (2). Last evaluated 2022-12-16.

Conditions:
Duchenne muscular dystrophy (DMD). Also called: Duchenne Muscular Dystrophy (DMD); MUSCULAR DYSTROPHY, PSEUDOHYPERTROPHIC PROGRESSIVE, DUCHENNE TYPE. Identifiers: Orphanet 98896, MedGen C0013264, MONDO:0010679, OMIM 310200.

Submissions (2):

Laboratory of Medical Genetics, National & Kapodistrian University of Athens
Classification: Pathogenic for Duchenne muscular dystrophy. Last evaluated: 2022-12-16. Review status: criteria provided, single submitter. Criteria: ACMG Guidelines, 2015. Collection method: clinical testing. Allele origin: germline. Affected: yes.
Comment: PVS1, PM2, PP5

Mendelics
Classification: Pathogenic for Duchenne muscular dystrophy. Last evaluated: 2019-05-28. Review status: criteria provided, single submitter. Criteria: Mendelics Assertion Criteria 2017. Collection method: clinical testing. Allele origin: unknown.

Literature cited by the submitters: PubMed 28859693 (cited by Laboratory of Medical Genetics, National & Kapodistrian University of Athens).